The following is an entry in ClinVar:

NM_000051.4(ATM):c.4882A>T (p.Met1628Leu)

Gene: ATM (ATM serine/threonine kinase; plus strand). Cytogenetic location: 11q22.3.
Variant type: single nucleotide variant.
Coding change: c.4882A>T on transcript NM_000051.4 (MANE Select); coding-DNA position 4882, A replaced by T.
Protein change: p.Met1628Leu; replaces methionine 1628 with leucine.
Molecular consequence: missense variant.
Genome position (GRCh38, 1-based): chr11:108,295,032, A>T. VCF-style: chr11-108295032-A-T. GRCh37 (hg19) VCF-style: chr11-108165759-A-T.
Other names: c.4882A>T, p.Met1628Leu (NM_001351834.2); short protein forms M1628L.
Identifiers: ClinVar variation 664260 (VCV000664260.8), dbSNP rs1591685091, ClinGen allele CA382537176.

ClinVar aggregate classification (germline): Uncertain significance (1 of 4 stars; one submission).

Conditions:
Ataxia-telangiectasia syndrome (AT). Also called: Ataxia-telangiectasia, complementation group D; AT, COMPLEMENTATION GROUP C; Ataxia telangiectasia (A-T); Cerebello-oculocutaneous telangiectasia; Immunodeficiency with ataxia telangiectasia; ATAXIA-TELANGIECTASIA, COMPLEMENTATION GROUP A. Identifiers: Orphanet 100, MedGen C0004135, MONDO:0008840, OMIM 208900.

Submission:

Labcorp Genetics (formerly Invitae), Labcorp
Classification: Uncertain significance for Ataxia-telangiectasia syndrome. Last evaluated: 2018-08-13. Review status: criteria provided, single submitter. Criteria: Invitae Variant Classification Sherloc (09022015). Collection method: clinical testing. Allele origin: germline.
Comment: This variant is not present in population databases (ExAC no frequency). This variant has not been reported in the literature in individuals with ATM-related disease. Algorithms developed to predict the effect of missense changes on protein structure and function (SIFT, PolyPhen-2, Align-GVGD) all suggest that this variant is likely to be tolerated, but these predictions have not been confirmed by published functional studies and their clinical significance is uncertain. In summary, the available evidence is currently insufficient to determine the role of this variant in disease. Therefore, it has been classified as a Variant of Uncertain Significance. This sequence change replaces methionine with leucine at codon 1628 of the ATM protein (p.Met1628Leu). The methionine residue is moderately conserved and there is a small physicochemical difference between methionine and leucine.